The following is an entry in ClinVar:

ClinVar aggregate classification (germline): Conflicting classifications of pathogenicity. Review status: criteria provided, conflicting classifications (1 of 4 stars). 2 submissions from 2 submitters: Likely pathogenic (1); Uncertain significance (1). Last evaluated 2025-07-16.

Conditions:
Achondrogenesis type II (ACG2). Also called: CHONDROGENESIS IMPERFECTA; ACHONDROGENESIS, LANGER-SALDINO TYPE. Identifiers: Orphanet 932, Orphanet 93296, MedGen C0220685, MONDO:0008702, OMIM 200610.

Submissions (2):

Labcorp Genetics (formerly Invitae), Labcorp
Classification: Likely pathogenic. Last evaluated: 2025-07-16. Review status: criteria provided, single submitter. Criteria: Invitae Variant Classification Sherloc (09022015). Collection method: clinical testing. Allele origin: germline.
Comment: This variant, c.1649_1666del, results in the deletion of 6 amino acid(s) of the COL2A1 protein (p.Arg550_Gly555del), but otherwise preserves the integrity of the reading frame. This variant is not present in population databases (gnomAD no frequency). This variant has not been reported in the literature in individuals affected with COL2A1-related conditions. ClinVar contains an entry for this variant (Variation ID: 3382236). This variant disrupts the triple helix domain of COL2A1. Glycine residues within the Gly-Xaa-Yaa repeats of the triple helix domain are required for the structure and stability of fibrillar collagens (PMID: 7695699, 8218237, 19344236). In COL2A1, variants affecting these glycine residues are significantly enriched in individuals with disease (PMID: 9016532, 17078022) compared to the general population (ExAC). In summary, the currently available evidence indicates that the variant is pathogenic, but additional data are needed to prove that conclusively. Therefore, this variant has been classified as Likely Pathogenic.

Juno Genomics, Hangzhou Juno Genomics, Inc
Classification: Uncertain significance for Achondrogenesis type II. Review status: criteria provided, single submitter. Criteria: ACMG Guidelines, 2015. Collection method: clinical testing. Allele origin: germline. Affected: yes.
Comment: Absent from controls (or at extremely low frequency if recessive) in Genome Aggregation Database, Exome Sequencing Project, 1000 Genomes Project, or Exome Aggregation Consortium.;Protein length changes due to in-frame deletions/insertions in a non-repeat region or stop-loss variants.;Assumed de novo, but without confirmation of paternity and maternity.;Patient's phenotype or family history is highly specific for a disease with a single genetic etiology.

Literature cited by the submitters: PubMed 7695699 (cited by Labcorp Genetics (formerly Invitae), Labcorp); PubMed 8218237 (cited by Labcorp Genetics (formerly Invitae), Labcorp); PubMed 19344236 (cited by Labcorp Genetics (formerly Invitae), Labcorp); PubMed 9016532 (cited by Labcorp Genetics (formerly Invitae), Labcorp); PubMed 17078022 (cited by Labcorp Genetics (formerly Invitae), Labcorp).

NM_001844.5(COL2A1):c.1649_1666del (p.Arg550_Gly555del)

Gene: COL2A1 (collagen type II alpha 1 chain; minus strand). Cytogenetic location: 12q13.11.
Variant type: Deletion.
Coding change: c.1649_1666del on transcript NM_001844.5 (MANE Select); coding-DNA positions 1649 to 1666, 18 bases deleted (GTCCTGGAGAACCTGGCC).
Protein change: p.Arg550_Gly555del.
Molecular consequence: inframe deletion.
Genome position (GRCh38, 1-based): chr12:47,985,742-47,985,759, GGCCAGGTTCTCCAGGAC deleted on the plus strand (GTCCTGGAGAACCTGGCC on the coding strand, the reverse complement: COL2A1 is on the minus strand); deleting any 18 consecutive bases within chr12:47,985,742-47,985,766 gives the same sequence; the c. name uses the placement nearest the transcript's 3' end. VCF-style (leftmost placement, unchanged base first): chr12-47985741-AGGCCAGGTTCTCCAGGAC-A. GRCh37 (hg19) VCF-style: chr12-48379524-AGGCCAGGTTCTCCAGGAC-A.
Other names: c.1442_1459del, p.Arg481_Gly486del (NM_033150.3).
Identifiers: ClinVar variation 3382236 (VCV003382236.3).
Genomic context (GRCh38, chr12:47,985,741, plus strand): 5'-GGGCCTGAGGGTCTGAAGCCAAGGGCAACAGCAGCTCTGCTACTTACCCGGGCTCCAGGA[AGGCCAGGTTCTCCAGGAC>A]GGCCAGGGTCACCGTTGGCTCCCTTGGGGCCAGCAAGACCACTGGGCCCTCGCTCTCCAG-3'